The following is an entry in ClinVar:

NM_001323289.2(CDKL5):c.660_664dup (p.Thr222fs)

Gene: CDKL5 (cyclin dependent kinase like 5; plus strand). Cytogenetic location: Xp22.13.
Variant type: Duplication.
Coding change: c.660_664dup on transcript NM_001323289.2 (MANE Select); coding-DNA positions 660 to 664, 5 bases duplicated (TTTTA; older notation c.660_664dupTTTTA).
Protein change: p.Thr222fs; shifts the reading frame from threonine 222.
Molecular consequence: frameshift variant.
Genome position (GRCh38, 1-based): chrX:18,588,059-18,588,063, TTTTA duplicated. VCF-style (leftmost placement, unchanged base first): chrX-18588058-T-TTTTTA. GRCh37 (hg19) VCF-style: chrX-18606178-T-TTTTTA.
Other names: NM_001323289.2(CDKL5):c.660_664dup; p.Thr222fs; c.660_664dup, p.Thr222fs (NM_001037343.2, NM_003159.3); short protein forms T222fs.
Identifiers: ClinVar variation 189597 (VCV000189597.3), dbSNP rs786204990, ClinGen allele CA199414.

ClinVar aggregate classification (germline): Likely pathogenic. Review status: criteria provided, single submitter (1 of 4 stars). 2 submissions from 2 submitters: Likely pathogenic (1). 1 of the submissions does not count toward it. Last evaluated 2024-09-02.

Conditions:
CDKL5 disorder. Identifiers: MedGen CN296942, MONDO:0100039.
Atypical Rett syndrome. Also called: Rett like syndrome; Variant Rett Syndrome. Identifiers: Orphanet 3095, MedGen C2748910, MONDO:0017746.

Submissions (2):

Centre for Population Genomics, CPG
Classification: Likely pathogenic for CDKL5 disorder. Last evaluated: 2024-09-02. Review status: criteria provided, single submitter. Criteria: McKnight et al. (Hum Mutat. 2022). Collection method: curation. Allele origin: germline. Inheritance: X-linked inheritance.
Comment: This variant has been collected from RettBASE and curated to current modified ACMG/AMP criteria. Based on the classification scheme defined by the ClinGen Rett/Angelman-like Expert Panel for Rett/AS-like Disorders Specifications to the ACMG/AMP Variant Interpretation Guidelines VCEP 3.0, this variant is classified as likely pathogenic. At least the following criteria are met: Predicted to result in loss of function, and LOF is a known mechanism of disease (PVS1). This variant is absent from gnomAD (PM2_Supporting).

RettBASE
Classification: Pathogenic for Atypical Rett syndrome. Last evaluated: 2014-03-13. Review status: no assertion criteria provided. Collection method: curation. Allele origin: unknown. Affected: yes. Observed: 1 variant allele. Not counted in ClinVar's aggregate classification.

Literature cited by the submitters: PubMed 23151060 (cited by RettBASE).